The following is an entry in ClinVar:

ClinVar aggregate classification (germline): Uncertain significance (1 of 4 stars; one submission).

Allele frequency attached by ClinVar (database versions not stated): TOPMed below 0.00001.

Submission:

GeneDx
Classification: Uncertain significance. Last evaluated: 2022-09-19. Review status: criteria provided, single submitter. Criteria: GeneDx Variant Classification Process June 2021. Collection method: clinical testing. Allele origin: germline. Affected: yes.
Comment: Not observed at significant frequency in large population cohorts (gnomAD); In silico analysis supports that this missense variant does not alter protein structure/function; Has not been previously published as pathogenic or benign to our knowledge

NM_001037333.3(CYFIP2):c.3679T>G (p.Ser1227Ala)

Genes: CYFIP2 (cytoplasmic FMR1 interacting protein 2; plus strand), NIPAL4-DT (NIPAL4 divergent transcript; minus strand). Cytogenetic location: 5q33.3.
Variant type: single nucleotide variant.
Coding change: c.3679T>G on transcript NM_001037333.3 (MANE Select); coding-DNA position 3679, T replaced by G.
Protein change: p.Ser1227Ala; replaces serine 1227 with alanine.
Molecular consequence: missense variant.
Genome position (GRCh38, 1-based): chr5:157,392,917, T>G. VCF-style: chr5-157392917-T-G. GRCh37 (hg19) VCF-style: chr5-156819925-T-G.
Other names: c.3601T>G, p.Ser1201Ala (NM_001291721.2); c.3754T>G, p.Ser1252Ala (NM_001291722.2); c.3679T>G, p.Ser1227Ala (NM_014376.4); short protein forms S1201A, S1227A, S1252A.
Identifiers: ClinVar variation 2444829 (VCV002444829.1), dbSNP rs1162322780, ClinGen allele CA361983698.